The following is an entry in ClinVar:

ClinVar aggregate classification (germline): Uncertain significance (1 of 4 stars; one submission).

Allele frequency attached by ClinVar (database versions not stated): 1000 Genomes Project 30x 0.00016.

Submission:

Labcorp Genetics (formerly Invitae), Labcorp
Classification: Uncertain significance. Last evaluated: 2026-01-25. Review status: criteria provided, single submitter. Criteria: Invitae Variant Classification Sherloc (09022015). Collection method: clinical testing. Allele origin: germline.
Comment: This sequence change replaces glutamic acid, which is acidic and polar, with aspartic acid, which is acidic and polar, at codon 282 of the NAXE protein (p.Glu282Asp). This variant is present in population databases (rs140607541, gnomAD 0.05%). This variant has not been reported in the literature in individuals affected with NAXE-related conditions. ClinVar contains an entry for this variant (Variation ID: 1445984). An algorithm developed to predict the effect of missense changes on protein structure and function outputs the following: PolyPhen-2: "Benign". The aspartic acid amino acid residue is found in multiple mammalian species, which suggests that this missense change does not adversely affect protein function. In summary, the available evidence is currently insufficient to determine the role of this variant in disease. Therefore, it has been classified as a Variant of Uncertain Significance.

NM_144772.3(NAXE):c.846G>C (p.Glu282Asp)

Gene: NAXE (NAD(P)HX epimerase; plus strand). Cytogenetic location: 1q22.
Variant type: single nucleotide variant.
Coding change: c.846G>C on transcript NM_144772.3 (MANE Select); coding-DNA position 846, G replaced by C.
Protein change: p.Glu282Asp; replaces glutamic acid 282 with aspartic acid.
Molecular consequence: missense variant.
Genome position (GRCh38, 1-based): chr1:156,594,063, G>C. VCF-style: chr1-156594063-G-C. GRCh37 (hg19) VCF-style: chr1-156563855-G-C.
Other names: short protein forms E282D.
Identifiers: ClinVar variation 1445984 (VCV001445984.6), dbSNP rs140607541, ClinGen allele CA1162937.